The following is an entry in ClinVar:

NM_175875.5(SIX5):c.1448A>C (p.Gln483Pro)

Gene: SIX5 (SIX homeobox 5; minus strand). Cytogenetic location: 19q13.32.
Variant type: single nucleotide variant.
Coding change: c.1448A>C on transcript NM_175875.5 (MANE Select); coding-DNA position 1448, A replaced by C.
Protein change: p.Gln483Pro; replaces glutamine 483 with proline.
Molecular consequence: missense variant.
Genome position (GRCh38, 1-based): chr19:45,766,511, T>G on the plus strand (A>C on the coding strand, the complement: SIX5 is on the minus strand). VCF-style: chr19-45766511-T-G. GRCh37 (hg19) VCF-style: chr19-46269769-T-G.
Other names: short protein forms Q483P.
Identifiers: ClinVar variation 2966342 (VCV002966342.4), dbSNP rs1018201078, ClinGen allele CA309000868.
Genomic context (GRCh38, chr19:45,766,511, plus strand): 5'-CTGCCTGGCCCGGCTGCCAACAGCTGCAGGGGCCCCACAGCCTGGGGCAGGGTCACCACC[T>G]GTGAGGTGGGTACTACCTGGGGCAGGTTCAATAGTGGGGAGGTGGGGCTCAGGCCCGTGG-3'
Protein context (NP_787071.3, residues 473-493): LNLPQVVPTS[Gln483Pro]VVTLPQAVGP

ClinVar aggregate classification (germline): Uncertain significance. Review status: criteria provided, multiple submitters, no conflicts (2 of 4 stars). 2 submissions from 2 submitters: Uncertain significance (2). Last evaluated 2024-04-15.

Conditions:
Branchiootorenal syndrome 2 (BOR2). Identifiers: Orphanet 107, MedGen C1970479, MONDO:0012575, OMIM 610896.

Allele frequency attached by ClinVar (database versions not stated): gnomAD exomes 0.00001; gnomAD 0.00002; TOPMed 0.00003.
gnomAD v4.1: 6 of 1,507,076 alleles (0.0004%); highest among the groups gnomAD compares: African/African-American, 0.0083%; no homozygotes.

Submissions (2):

Fulgent Genetics
Classification: Uncertain significance for Branchiootorenal syndrome 2. Last evaluated: 2024-04-15. Review status: criteria provided, single submitter. Criteria: ACMG Guidelines, 2015. Collection method: clinical testing. Allele origin: germline.

Labcorp Genetics (formerly Invitae), Labcorp
Classification: Uncertain significance. Last evaluated: 2024-02-25. Review status: criteria provided, single submitter. Criteria: Invitae Variant Classification Sherloc (09022015). Collection method: clinical testing. Allele origin: germline.
Comment: This sequence change replaces glutamine, which is neutral and polar, with proline, which is neutral and non-polar, at codon 483 of the SIX5 protein (p.Gln483Pro). This variant is present in population databases (no rsID available, gnomAD 0.03%). This variant has not been reported in the literature in individuals affected with SIX5-related conditions. Advanced modeling of protein sequence and biophysical properties (such as structural, functional, and spatial information, amino acid conservation, physicochemical variation, residue mobility, and thermodynamic stability) performed at Invitae indicates that this missense variant is not expected to disrupt SIX5 protein function with a negative predictive value of 80%. In summary, the available evidence is currently insufficient to determine the role of this variant in disease. Therefore, it has been classified as a Variant of Uncertain Significance.